The following is an entry in ClinVar:

NM_018249.6(CDK5RAP2):c.4200G>A (p.Gln1400=)

Gene: CDK5RAP2 (CDK5 regulatory subunit associated protein 2; minus strand). Cytogenetic location: 9q33.2.
Variant type: single nucleotide variant.
Coding change: c.4200G>A on transcript NM_018249.6 (MANE Select); coding-DNA position 4200, G replaced by A.
Protein change: p.Gln1400=; no amino-acid change (glutamine 1400 retained).
Molecular consequence: synonymous variant. On other transcripts: non-coding transcript variant (5).
Genome position (GRCh38, 1-based): chr9:120,415,137, C>T on the plus strand (G>A on the coding strand, the complement: CDK5RAP2 is on the minus strand). VCF-style: chr9-120415137-C-T. GRCh37 (hg19) VCF-style: chr9-123177415-C-T.
Other names: c.4200G>A, p.Gln1400= (NM_001011649.3); c.3510G>A, p.Gln1170= (NM_001272039.2); c.4101G>A, p.Gln1367= (NM_001410992.1); c.4104G>A, p.Gln1368= (NM_001410993.1); c.4197G>A, p.Gln1399= (NM_001410994.1).
Identifiers: ClinVar variation 3025141 (VCV003025141.22), dbSNP rs181595688, ClinGen allele CA5213631.

ClinVar aggregate classification (germline): Likely benign (1 of 4 stars; one submission).

Allele frequency attached by ClinVar (database versions not stated): TOPMed 0.00001; 1000 Genomes Project 30x 0.00031; gnomAD exomes 0.00032; 1000 Genomes Project 0.00040; ExAC 0.00061; gnomAD 0.00063.
gnomAD v4.1: 548 of 1,614,110 alleles (0.034%); highest among the groups gnomAD compares: Non-Finnish European, 0.0019%; 2 homozygotes.

Submission:

CeGaT Center for Human Genetics Tuebingen
Classification: Likely benign. Last evaluated: 2024-02-01. Review status: criteria provided, single submitter. Criteria: CeGaT Center For Human Genetics Tuebingen Variant Classification Criteria Version 2. Collection method: clinical testing. Allele origin: germline. Affected: yes. Observed: 1 variant allele.
Comment: CDK5RAP2: BP4, BP7